The following is an entry in ClinVar:

NM_020921.4(NIN):c.3473C>G (p.Thr1158Arg)

Gene: NIN (ninein; minus strand). Cytogenetic location: 14q22.1.
Variant type: single nucleotide variant.
Coding change: c.3473C>G on transcript NM_020921.4 (MANE Select); coding-DNA position 3473, C replaced by G.
Protein change: p.Thr1158Arg; replaces threonine 1158 with arginine.
Molecular consequence: missense variant. On other transcripts: intron variant (1).
Genome position (GRCh38, 1-based): chr14:50,757,557, G>C on the plus strand (C>G on the coding strand, the complement: NIN is on the minus strand). VCF-style: chr14-50757557-G-C. GRCh37 (hg19) VCF-style: chr14-51224275-G-C.
Other names: c.2399+2300C>G (NM_016350.5); c.3473C>G, p.Thr1158Arg (NM_182944.3, NM_182946.2); short protein forms T1158R.
Identifiers: ClinVar variation 2990001 (VCV002990001.3), dbSNP rs760893080, ClinGen allele CA389697353.

ClinVar aggregate classification (germline): Uncertain significance (1 of 4 stars; one submission).

gnomAD v4.1: 1 of 1,614,014 alleles (0.000062%); highest among the groups gnomAD compares: Middle Eastern, 0.016%; no homozygotes.

Submission:

Labcorp Genetics (formerly Invitae), Labcorp
Classification: Uncertain significance. Last evaluated: 2025-03-17. Review status: criteria provided, single submitter. Criteria: Invitae Variant Classification Sherloc (09022015). Collection method: clinical testing. Allele origin: germline.
Comment: This sequence change replaces threonine, which is neutral and polar, with arginine, which is basic and polar, at codon 1158 of the NIN protein (p.Thr1158Arg). This variant is not present in population databases (gnomAD no frequency). This variant has not been reported in the literature in individuals affected with NIN-related conditions. ClinVar contains an entry for this variant (Variation ID: 2990001). An algorithm developed to predict the effect of missense changes on protein structure and function (PolyPhen-2) suggests that this variant is likely to be tolerated. In summary, the available evidence is currently insufficient to determine the role of this variant in disease. Therefore, it has been classified as a Variant of Uncertain Significance.